The following is an entry in ClinVar:

ClinVar aggregate classification (germline): Uncertain significance (1 of 4 stars; one submission).

Submission:

Ambry Genetics
Classification: Uncertain significance. Last evaluated: 2023-06-22. Review status: criteria provided, single submitter. Criteria: Ambry Variant Classification Scheme 2023. Collection method: clinical testing. Allele origin: germline.
Comment: The p.S676P variant (also known as c.2026T>C), located in coding exon 20 of the KIF1B gene, results from a T to C substitution at nucleotide position 2026. The serine at codon 676 is replaced by proline, an amino acid with similar properties. This amino acid position is conserved. In addition, this alteration is predicted to be deleterious by in silico analysis. Since supporting evidence is limited at this time, the clinical significance of this alteration remains unclear.

NM_001365951.3(KIF1B):c.2164T>C (p.Ser722Pro)

Gene: KIF1B (kinesin family member 1B; plus strand). Cytogenetic location: 1p36.22.
Variant type: single nucleotide variant.
Coding change: c.2164T>C on transcript NM_001365951.3 (MANE Select); coding-DNA position 2164, T replaced by C.
Protein change: p.Ser722Pro; replaces serine 722 with proline.
Molecular consequence: missense variant.
Genome position (GRCh38, 1-based): chr1:10,320,091, T>C. VCF-style: chr1-10320091-T-C. GRCh37 (hg19) VCF-style: chr1-10380149-T-C.
Other names: c.2164T>C, p.Ser722Pro (NM_001365952.1); c.2026T>C, p.Ser676Pro (NM_015074.3); short protein forms S676P, S722P.
Identifiers: ClinVar variation 2625688 (VCV002625688.2), dbSNP rs2521594630, ClinGen allele CA338332337.
Genomic context (GRCh38, chr1:10,320,091, plus strand): 5'-CTTTTCATTCAGGACTATGAGAGTAAATTGCAGGCCTTGCAGAAGCAGGTTGAAACCCGA[T>C]CTCTGGCTGCAGAAACAACTGAAGAGGAGGAAGAAGAGGAAGAAGGTGAAATCTAGAGAC-3'
Protein context (NP_001352880.1, residues 712-732): QALQKQVETR[Ser722Pro]LAAETTEEEE